The following is an entry in ClinVar:

NM_000264.5(PTCH1):c.1537G>A (p.Asp513Asn)

Gene: PTCH1 (patched 1; minus strand). Cytogenetic location: 9q22.32.
Variant type: single nucleotide variant.
Coding change: c.1537G>A on transcript NM_000264.5 (MANE Select); coding-DNA position 1537, G replaced by A.
Protein change: p.Asp513Asn; replaces aspartic acid 513 with asparagine.
Molecular consequence: missense variant. On other transcripts: non-coding transcript variant (1).
Genome position (GRCh38, 1-based): chr9:95,476,824, C>T on the plus strand (G>A on the coding strand, the complement: PTCH1 is on the minus strand). VCF-style: chr9-95476824-C-T. GRCh37 (hg19) VCF-style: chr9-98239106-C-T.
Other names: c.1339G>A, p.Asp447Asn (NM_001083602.3); c.1534G>A, p.Asp512Asn (NM_001083603.3); c.1084G>A, p.Asp362Asn (NM_001083604.3, NM_001083605.3, NM_001083606.3 and 1 more transcripts); c.1381G>A, p.Asp461Asn (NM_001354918.2); short protein forms D362N, D461N, D512N, D513N, D447N.
Identifiers: ClinVar variation 968392 (VCV000968392.9), dbSNP rs1588598595, ClinGen allele CA374118290.

ClinVar aggregate classification (germline): Uncertain significance. Review status: criteria provided, multiple submitters, no conflicts (2 of 4 stars). 2 submissions from 2 submitters: Uncertain significance (2). Last evaluated 2026-01-14.

Conditions:
Gorlin syndrome. Also called: Nevoid Basal Cell Carcinoma Syndrome; Basal cell nevus syndrome. Identifiers: Orphanet 377, MedGen C0004779, MONDO:0007187.
Hereditary cancer-predisposing syndrome. Also called: Hereditary neoplastic syndrome; Hereditary Cancer Syndrome; Tumor predisposition; Neoplastic Syndromes, Hereditary. Identifiers: Orphanet 140162, MedGen C0027672, MeSH D009386, MONDO:0015356.

Allele frequency attached by ClinVar (database versions not stated): gnomAD exomes below 0.00001.

Submissions (2):

Labcorp Genetics (formerly Invitae), Labcorp
Classification: Uncertain significance for Gorlin syndrome. Last evaluated: 2026-01-14. Review status: criteria provided, single submitter. Criteria: Invitae Variant Classification Sherloc (09022015). Collection method: clinical testing. Allele origin: germline.
Comment: This sequence change replaces aspartic acid, which is acidic and polar, with asparagine, which is neutral and polar, at codon 513 of the PTCH1 protein (p.Asp513Asn). This variant is not present in population databases (gnomAD no frequency). This variant has not been reported in the literature in individuals affected with PTCH1-related conditions. ClinVar contains an entry for this variant (Variation ID: 968392). Invitae Evidence Modeling of protein sequence and biophysical properties (such as structural, functional, and spatial information, amino acid conservation, physicochemical variation, residue mobility, and thermodynamic stability) has been performed for this missense variant. However, the output from this modeling did not meet the statistical confidence thresholds required to predict the impact of this variant on PTCH1 protein function. In summary, the available evidence is currently insufficient to determine the role of this variant in disease. Therefore, it has been classified as a Variant of Uncertain Significance.

Ambry Genetics
Classification: Uncertain significance for Hereditary cancer-predisposing syndrome. Last evaluated: 2024-03-29. Review status: criteria provided, single submitter. Criteria: Ambry Variant Classification Scheme 2023. Collection method: clinical testing. Allele origin: germline.
Comment: The p.D513N variant (also known as c.1537G>A), located in coding exon 11 of the PTCH1 gene, results from a G to A substitution at nucleotide position 1537. The aspartic acid at codon 513 is replaced by asparagine, an amino acid with highly similar properties. This amino acid position is highly conserved in available vertebrate species. In addition, the in silico prediction for this alteration is inconclusive. Based on the available evidence, the clinical significance of this alteration remains unclear.